The following is an entry in ClinVar:

ClinVar aggregate classification (germline): Uncertain significance (1 of 4 stars; one submission).

gnomAD v4.1: 1 of 1,551,728 alleles (0.000064%); no homozygotes.

Submission:

Labcorp Genetics (formerly Invitae), Labcorp
Classification: Uncertain significance. Last evaluated: 2025-10-01. Review status: criteria provided, single submitter. Criteria: Invitae Variant Classification Sherloc (09022015). Collection method: clinical testing. Allele origin: germline.
Comment: This sequence change replaces arginine, which is basic and polar, with histidine, which is basic and polar, at codon 53 of the PIGB protein (p.Arg53His). This variant is not present in population databases (gnomAD no frequency). This variant has not been reported in the literature in individuals affected with PIGB-related conditions. ClinVar contains an entry for this variant (Variation ID: 2968289). An algorithm developed to predict the effect of missense changes on protein structure and function (PolyPhen-2) suggests that this variant is likely to be tolerated. In summary, the available evidence is currently insufficient to determine the role of this variant in disease. Therefore, it has been classified as a Variant of Uncertain Significance.

NM_004855.5(PIGB):c.158G>A (p.Arg53His)

Genes: PIGB (phosphatidylinositol glycan anchor biosynthesis class B; plus strand), LOC130057105 (ATAC-STARR-seq lymphoblastoid active region 9444; plus strand). Cytogenetic location: 15q21.3.
Variant type: single nucleotide variant.
Coding change: c.158G>A on transcript NM_004855.5 (MANE Select); coding-DNA position 158, G replaced by A.
Protein change: p.Arg53His; replaces arginine 53 with histidine.
Molecular consequence: missense variant.
Genome position (GRCh38, 1-based): chr15:55,319,408, G>A. VCF-style: chr15-55319408-G-A. GRCh37 (hg19) VCF-style: chr15-55611606-G-A.
Other names: short protein forms R53H.
Identifiers: ClinVar variation 2968289 (VCV002968289.3), dbSNP rs2543052602, ClinGen allele CA392541129.